The following is an entry in ClinVar:

NM_005585.5(SMAD6):c.1264G>A (p.Gly422Ser)

Gene: SMAD6 (SMAD family member 6; plus strand). Cytogenetic location: 15q22.31.
Variant type: single nucleotide variant.
Coding change: c.1264G>A on transcript NM_005585.5 (MANE Select); coding-DNA position 1264, G replaced by A.
Protein change: p.Gly422Ser; replaces glycine 422 with serine.
Molecular consequence: missense variant. On other transcripts: non-coding transcript variant (1).
Genome position (GRCh38, 1-based): chr15:66,781,308, G>A. VCF-style: chr15-66781308-G-A. GRCh37 (hg19) VCF-style: chr15-67073646-G-A.
Other names: short protein forms G422S.
Identifiers: ClinVar variation 3320645 (VCV003320645.1).

ClinVar aggregate classification (germline): Uncertain significance (1 of 4 stars; one submission).

Conditions:
Inborn genetic diseases. Identifiers: MedGen C0950123, MeSH D030342.

gnomAD v4.1: 2 of 1,601,496 alleles (0.00012%); highest among the groups gnomAD compares: Non-Finnish European, 0.00017%; no homozygotes.

Submission:

Ambry Genetics
Classification: Uncertain significance for Inborn genetic diseases. Last evaluated: 2024-04-18. Review status: criteria provided, single submitter. Criteria: Ambry Variant Classification Scheme 2023. Collection method: clinical testing. Allele origin: germline.
Comment: The p.G422S variant (also known as c.1264G>A), located in coding exon 4 of the SMAD6 gene, results from a G to A substitution at nucleotide position 1264. The glycine at codon 422 is replaced by serine, an amino acid with similar properties. This amino acid position is conserved. In addition, this alteration is predicted to be tolerated by in silico analysis. Based on the available evidence, the clinical significance of this variant remains unclear.